The following is an entry in ClinVar:

ClinVar aggregate classification (germline): Benign/Likely benign. Review status: criteria provided, multiple submitters, no conflicts (2 of 4 stars). 8 submissions from 8 submitters: Benign (3); Likely benign (4). 1 of the submissions does not count toward it. Last evaluated 2026-02-03.

Conditions:
Hereditary cancer-predisposing syndrome. Also called: Neoplastic Syndromes, Hereditary; Tumor predisposition; Hereditary Cancer Syndrome; Hereditary neoplastic syndrome. Identifiers: Orphanet 140162, MedGen C0027672, MeSH D009386, MONDO:0015356.
Tuberous sclerosis syndrome (TSC). Also called: Tuberous Sclerosis Complex; Tuberous sclerosis. Identifiers: Orphanet 805, MedGen C0041341, MONDO:0001734.
Tuberous sclerosis 2 (TSC2). Identifiers: Orphanet 805, MedGen C1860707, MONDO:0013199, OMIM 613254.

Allele frequency attached by ClinVar (database versions not stated): TOPMed 0.00001; gnomAD 0.00006; 1000 Genomes Project 30x 0.00031.
gnomAD v4.1: 25 of 1,611,476 alleles (0.0016%); highest among the groups gnomAD compares: Admixed American, 0.0067%; no homozygotes.

Submissions (8):

Labcorp Genetics (formerly Invitae), Labcorp
Classification: Benign for Tuberous sclerosis 2. Last evaluated: 2026-02-03. Review status: criteria provided, single submitter. Criteria: Invitae Variant Classification Sherloc (09022015). Collection method: clinical testing. Allele origin: germline.

Myriad Genetics, Inc.
Classification: Benign for Tuberous sclerosis 2. Last evaluated: 2025-05-28. Review status: criteria provided, single submitter. Criteria: Myriad Autosomal Dominant, Autosomal Recessive and X-Linked Classification Criteria (2023). Collection method: clinical testing. Allele origin: unknown.
Comment: This variant is considered benign. This variant is a silent/synonymous amino acid change and it is not expected to impact splicing.

All of Us Research Program, National Institutes of Health
Classification: Likely benign for Tuberous sclerosis syndrome. Last evaluated: 2024-07-20. Review status: criteria provided, single submitter. Criteria: ACMG Guidelines, 2015. Collection method: clinical testing. Allele origin: germline. Inheritance: Autosomal dominant inheritance. Observed: 8 variant alleles, 8 heterozygotes.
Comment: This study involves interpretation of variants in research participants for the purpose of population health screening. Participant phenotype was not available at the time of variant classification. Additional details can be found in publication PMID: 35346344, PMCID: PMC8962531

Color Diagnostics, LLC DBA Color Health
Classification: Likely benign for Tuberous sclerosis syndrome. Last evaluated: 2022-10-03. Review status: criteria provided, single submitter. Criteria: ACMG Guidelines, 2015. Collection method: clinical testing. Allele origin: germline.

Genome-Nilou Lab
Classification: Benign for Tuberous sclerosis 2. Last evaluated: 2021-11-07. Review status: criteria provided, single submitter. Criteria: ACMG Guidelines, 2015. Collection method: clinical testing. Allele origin: germline. Affected: no.

Sema4
Classification: Likely benign for Hereditary cancer-predisposing syndrome. Last evaluated: 2021-09-18. Review status: criteria provided, single submitter. Criteria: Sema4 Curation Guidelines. Collection method: curation. Allele origin: germline.

Ambry Genetics
Classification: Likely benign for Hereditary cancer-predisposing syndrome. Last evaluated: 2014-12-23. Review status: criteria provided, single submitter. Criteria: Ambry Variant Classification Scheme 2023. Collection method: clinical testing. Allele origin: germline.

Tuberous sclerosis database (TSC2)
No classification provided. Condition: TSC. Review status: no classification provided. Criteria: Tuberous Sclerosis Database Assertion Criteria 2015. Collection method: curation. Allele origin: germline. Affected: yes. Not counted in ClinVar's aggregate classification.

NM_000548.5(TSC2):c.3327G>A (p.Pro1109=)

Gene: TSC2 (TSC complex subunit 2; plus strand). Cytogenetic location: 16p13.3.
Variant type: single nucleotide variant.
Coding change: c.3327G>A on transcript NM_000548.5 (MANE Select); coding-DNA position 3327, G replaced by A.
Protein change: p.Pro1109=; no amino-acid change (proline 1109 retained).
Molecular consequence: synonymous variant.
Genome position (GRCh38, 1-based): chr16:2,079,599, G>A. VCF-style: chr16-2079599-G-A. GRCh37 (hg19) VCF-style: chr16-2129600-G-A.
Other names: c.3195G>A, p.Pro1065= (NM_001077183.3, NM_001370404.1); c.3327G>A, p.Pro1109= (NM_001114382.3); c.3087G>A, p.Pro1029= (NM_001318827.2); c.3051G>A, p.Pro1017= (NM_001318829.2); c.2595G>A, p.Pro865= (NM_001318831.2); c.3228G>A, p.Pro1076= (NM_001318832.2); c.3198G>A, p.Pro1066= (NM_001363528.2, NM_001370405.1, NM_021055.3).
Identifiers: ClinVar variation 49251 (VCV000049251.21), dbSNP rs45478393, ClinGen allele CA018903.